The following is an entry in ClinVar:

NM_001079843.3(CASZ1):c.4210T>G (p.Trp1404Gly)

Gene: CASZ1 (castor zinc finger 1; minus strand). Cytogenetic location: 1p36.22.
Variant type: single nucleotide variant.
Coding change: c.4210T>G on transcript NM_001079843.3 (MANE Select); coding-DNA position 4210, T replaced by G.
Protein change: p.Trp1404Gly; replaces tryptophan 1404 with glycine.
Molecular consequence: missense variant.
Genome position (GRCh38, 1-based): chr1:10,640,012, A>C on the plus strand (T>G on the coding strand, the complement: CASZ1 is on the minus strand). VCF-style: chr1-10640012-A-C. GRCh37 (hg19) VCF-style: chr1-10700069-A-C.
Other names: short protein forms W1404G.
Identifiers: ClinVar variation 5039583 (VCV005039583.1).

ClinVar aggregate classification (germline): Uncertain significance (1 of 4 stars; one submission).

gnomAD v4.1: 1 of 1,611,998 alleles (0.000062%); highest among the groups gnomAD compares: Non-Finnish European, 0.000085%; no homozygotes.

Submission:

CeGaT Center for Human Genetics Tuebingen
Classification: Uncertain significance. Last evaluated: 2026-08-01. Review status: criteria provided, single submitter. Criteria: CeGaT Center For Human Genetics Tuebingen Variant Classification Criteria Version 2. Collection method: clinical testing. Allele origin: germline. Affected: yes. Observed: 1 variant allele.
Comment: CASZ1: PM2